The following is an entry in ClinVar:

NM_152383.5(DIS3L2):c.2344T>G (p.Phe782Val)

Gene: DIS3L2 (DIS3 like 3'-5' exoribonuclease 2; plus strand). Cytogenetic location: 2q37.1.
Variant type: single nucleotide variant.
Coding change: c.2344T>G on transcript NM_152383.5 (MANE Select); coding-DNA position 2344, T replaced by G.
Protein change: p.Phe782Val; replaces phenylalanine 782 with valine.
Molecular consequence: missense variant. On other transcripts: non-coding transcript variant (2), intron variant (1).
Genome position (GRCh38, 1-based): chr2:232,334,685, T>G. VCF-style: chr2-232334685-T-G. GRCh37 (hg19) VCF-style: chr2-233199395-T-G.
Other names: c.1582-8660T>G (NM_001257281.2); short protein forms F782V.
Identifiers: ClinVar variation 1515677 (VCV001515677.6), dbSNP rs2106354690, ClinGen allele CA350978020.
Genomic context (GRCh38, chr2:232,334,685, plus strand): 5'-CTGCAGGAGAGTGGCCCCCTGGAGTCAGAAGCCATGGTGATGGGCATCCTGAAGCAAGCC[T>G]TCGACGTGCTGGTGCTGCGCTACGGCGTGCAGAAGCGCATCTACTGCAACGTGAGTGCCC-3'
Protein context (NP_689596.4, residues 772-792): AMVMGILKQA[Phe782Val]DVLVLRYGVQ

ClinVar aggregate classification (germline): Uncertain significance (1 of 4 stars; one submission).

Conditions:
Perlman syndrome (PRLMNS). Identifiers: Orphanet 2849, MedGen C0796113, MONDO:0009965, OMIM 267000.

Submission:

Labcorp Genetics (formerly Invitae), Labcorp
Classification: Uncertain significance for Perlman syndrome. Last evaluated: 2021-08-27. Review status: criteria provided, single submitter. Criteria: Invitae Variant Classification Sherloc (09022015). Collection method: clinical testing. Allele origin: germline.
Comment: Algorithms developed to predict the effect of missense changes on protein structure and function (SIFT, PolyPhen-2, Align-GVGD) all suggest that this variant is likely to be tolerated. This sequence change replaces phenylalanine with valine at codon 782 of the DIS3L2 protein (p.Phe782Val). The phenylalanine residue is moderately conserved and there is a small physicochemical difference between phenylalanine and valine. This variant is not present in population databases (ExAC no frequency). This variant has not been reported in the literature in individuals affected with DIS3L2-related conditions. In summary, the available evidence is currently insufficient to determine the role of this variant in disease. Therefore, it has been classified as a Variant of Uncertain Significance.